The following is an entry in ClinVar:

NM_016507.4(CDK12):c.3679C>G (p.Leu1227Val)

Gene: CDK12 (cyclin dependent kinase 12; plus strand). Cytogenetic location: 17q12.
Variant type: single nucleotide variant.
Coding change: c.3679C>G on transcript NM_016507.4 (MANE Select); coding-DNA position 3679, C replaced by G.
Protein change: p.Leu1227Val; replaces leucine 1227 with valine.
Molecular consequence: missense variant.
Genome position (GRCh38, 1-based): chr17:39,526,235, C>G. VCF-style: chr17-39526235-C-G. GRCh37 (hg19) VCF-style: chr17-37682488-C-G.
Other names: c.3679C>G, p.Leu1227Val (NM_015083.4); short protein forms L1227V.
Identifiers: ClinVar variation 3141477 (VCV003141477.2), dbSNP rs767244134, ClinGen allele CA8531565.
Genomic context (GRCh38, chr17:39,526,235, plus strand): 5'-CAGAATATATTGGCAGTTCTCTTGAGTCAGCTGATGAAAACCCAAGAGCCAGCAGGCAGT[C>G]TGGAGGAAAACAACAGTGACAAGAACAGTGGGCCACAGGGGCCCCGAAGAACTCCCACAA-3'
Protein context (NP_057591.2, residues 1217-1237): LMKTQEPAGS[Leu1227Val]EENNSDKNSG

ClinVar aggregate classification (germline): Uncertain significance (1 of 4 stars; one submission).

Allele frequency attached by ClinVar (database versions not stated): gnomAD exomes below 0.00001; ExAC 0.00001; TOPMed 0.00002.
gnomAD v4.1: 6 of 1,612,746 alleles (0.00037%); highest among the groups gnomAD compares: Admixed American, 0.01%; no homozygotes.

Submission:

Ambry Genetics
Classification: Uncertain significance. Last evaluated: 2024-11-18. Review status: criteria provided, single submitter. Criteria: Ambry Variant Classification Scheme 2023. Collection method: clinical testing. Allele origin: germline.
Comment: The p.L1227V variant (also known as c.3679C>G), located in coding exon 13 of the CDK12 gene, results from a C to G substitution at nucleotide position 3679. The leucine at codon 1227 is replaced by valine, an amino acid with highly similar properties. This amino acid position is conserved. In addition, this alteration is predicted to be tolerated by in silico analysis. Based on the available evidence, the clinical significance of this variant remains unclear.